The following is an entry in ClinVar:

NM_000400.4(ERCC2):c.1223G>A (p.Ser408Asn)

Gene: ERCC2 (ERCC excision repair 2, TFIIH core complex helicase subunit; minus strand). Cytogenetic location: 19q13.32.
Variant type: single nucleotide variant.
Coding change: c.1223G>A on transcript NM_000400.4 (MANE Select); coding-DNA position 1223, G replaced by A.
Protein change: p.Ser408Asn; replaces serine 408 with asparagine.
Molecular consequence: missense variant.
Genome position (GRCh38, 1-based): chr19:45,361,538, C>T on the plus strand (G>A on the coding strand, the complement: ERCC2 is on the minus strand). VCF-style: chr19-45361538-C-T. GRCh37 (hg19) VCF-style: chr19-45864796-C-T.
Other names: c.1151G>A, p.Ser384Asn (NM_001130867.2); short protein forms S384N, S408N.
Identifiers: ClinVar variation 3231626 (VCV003231626.1), dbSNP rs2514023164, ClinGen allele CA406369808.

ClinVar aggregate classification (germline): Uncertain significance (1 of 4 stars; one submission).

Conditions:
Inborn genetic diseases. Identifiers: MedGen C0950123, MeSH D030342.

Submission:

Ambry Genetics
Classification: Uncertain significance for Inborn genetic diseases. Last evaluated: 2023-09-22. Review status: criteria provided, single submitter. Criteria: Ambry Variant Classification Scheme 2023. Collection method: clinical testing. Allele origin: germline.
Comment: The p.S408N variant (also known as c.1223G>A), located in coding exon 12 of the ERCC2 gene, results from a G to A substitution at nucleotide position 1223. The serine at codon 408 is replaced by asparagine, an amino acid with highly similar properties. This amino acid position is conserved. In addition, the in silico prediction for this alteration is inconclusive. Since supporting evidence is limited at this time, the clinical significance of this alteration remains unclear.